The following is an entry in ClinVar:

ClinVar aggregate classification (germline): Pathogenic (1 of 4 stars; one submission).

Conditions:
Primary ciliary dyskinesia 9. Also called: CILIARY DYSKINESIA, PRIMARY, 9, WITH OR WITHOUT SITUS INVERSUS. Identifiers: Orphanet 244, MedGen C2676235, MONDO:0012906, OMIM 612444.

Submission:

Myriad Genetics, Inc.
Classification: Pathogenic for Primary ciliary dyskinesia 9. Last evaluated: 2024-05-14. Review status: criteria provided, single submitter. Criteria: Myriad Autosomal Dominant, Autosomal Recessive and X-Linked Classification Criteria (2023). Collection method: clinical testing. Allele origin: unknown.
Comment: NM_023036.4(DNAI2):c.962_971del10ins3(I321Rfs*59) is expected to be pathogenic in the context of primary ciliary dyskinesia, DNAI2-related. This variant is predicted to lead to an abnormal or absent protein product due to the creation of a premature termination codon in DNAI2, a gene where loss-of-function variants are known to be pathogenic. Please note: this variant was assessed in the context of healthy population screening.

NM_023036.6(DNAI2):c.962_971delinsGGG (p.Ile321fs)

Gene: DNAI2 (dynein axonemal intermediate chain 2; plus strand). Cytogenetic location: 17q25.1.
Variant type: Indel.
Coding change: c.962_971delinsGGG on transcript NM_023036.6 (MANE Select); coding-DNA positions 962 to 971, TCTCCCTGGA replaced by GGG.
Protein change: p.Ile321fs; shifts the reading frame from isoleucine 321.
Molecular consequence: frameshift variant. On other transcripts: non-coding transcript variant (1).
Genome position (GRCh38, 1-based): chr17:74,301,143-74,301,152, TCTCCCTGGA replaced by GGG. VCF-style: chr17-74301143-TCTCCCTGGA-GGG. GRCh37 (hg19) VCF-style: chr17-72297282-TCTCCCTGGA-GGG.
Other names: c.962_971delinsGGG, p.Ile321fs (NM_001172810.3, NM_001353167.2); short protein forms I321fs.
Identifiers: ClinVar variation 5010453 (VCV005010453.1).